The following is an entry in ClinVar:

NM_001367624.2(ZNF469):c.8829C>A (p.Phe2943Leu)

Gene: ZNF469 (zinc finger protein 469; plus strand). Cytogenetic location: 16q24.2.
Variant type: single nucleotide variant.
Coding change: c.8829C>A on transcript NM_001367624.2 (MANE Select); coding-DNA position 8829, C replaced by A.
Protein change: p.Phe2943Leu; replaces phenylalanine 2943 with leucine.
Molecular consequence: missense variant.
Genome position (GRCh38, 1-based): chr16:88,436,299, C>A. VCF-style: chr16-88436299-C-A. GRCh37 (hg19) VCF-style: chr16-88502707-C-A.
Other names: short protein forms F2943L.
Identifiers: ClinVar variation 1714325 (VCV001714325.5), dbSNP rs2507601125, ClinGen allele CA397119518.

ClinVar aggregate classification (germline): Uncertain significance (1 of 4 stars; one submission).

Submission:

Labcorp Genetics (formerly Invitae), Labcorp
Classification: Uncertain significance. Last evaluated: 2022-07-30. Review status: criteria provided, single submitter. Criteria: Invitae Variant Classification Sherloc (09022015). Collection method: clinical testing. Allele origin: germline.
Comment: In summary, the available evidence is currently insufficient to determine the role of this variant in disease. Therefore, it has been classified as a Variant of Uncertain Significance. Algorithms developed to predict the effect of missense changes on protein structure and function output the following: SIFT: "Tolerated"; PolyPhen-2: "Benign"; Align-GVGD: "Class C0". The leucine amino acid residue is found in multiple mammalian species, which suggests that this missense change does not adversely affect protein function. This variant has not been reported in the literature in individuals affected with ZNF469-related conditions. This variant is not present in population databases (gnomAD no frequency). This sequence change replaces phenylalanine, which is neutral and non-polar, with leucine, which is neutral and non-polar, at codon 2915 of the ZNF469 protein (p.Phe2915Leu).